The following is an entry in ClinVar:

ClinVar aggregate classification (germline): Conflicting classifications of pathogenicity. Review status: criteria provided, conflicting classifications (1 of 4 stars). 2 submissions from 2 submitters: Uncertain significance (1); Likely benign (1). Last evaluated 2025-10-08.

Conditions:
Bethlem myopathy 1A. Also called: MYOPATHY, BENIGN CONGENITAL, WITH CONTRACTURES; Bethlem myopathy 1; Bethlem Muscular Dystrophy. Identifiers: Orphanet 610, MedGen CN029274, MONDO:0024530, OMIM 158810.

Allele frequency attached by ClinVar (database versions not stated): gnomAD exomes 0.00003 and 0.00010; ExAC 0.00008; ESP Exome Variant Server 0.00008; 1000 Genomes Project 30x 0.00016; gnomAD 0.00016 and 0.00018; TOPMed 0.00019; 1000 Genomes Project 0.00020.
gnomAD v4.1: 79 of 1,613,476 alleles (0.0049%); highest among the groups gnomAD compares: African/African-American, 0.052%; no homozygotes.

Submissions (2):

Labcorp Genetics (formerly Invitae), Labcorp
Classification: Likely benign for Bethlem myopathy 1A. Last evaluated: 2025-10-08. Review status: criteria provided, single submitter. Criteria: Invitae Variant Classification Sherloc (09022015). Collection method: clinical testing. Allele origin: germline.

GeneDx
Classification: Uncertain significance. Last evaluated: 2017-10-27. Review status: criteria provided, single submitter. Criteria: GeneDx Variant Classification (06012015). Collection method: clinical testing. Allele origin: germline. Affected: yes.
Comment: The P3115L variant has not been published as a pathogenic variant, nor has it been reported as a benign variant to our knowledge. The P3115L variant is observed in 15/24,010 (0.06%) alleles from individuals of African background (Lek et al., 2016). This variant is a semi-conservative amino acid substitution, which may impact secondary protein structure as these residues differ in some properties. However, this substitution occurs at a position that is not conserved. In silico analysis is inconsistent in its predictions as to whether or not the variant is damaging to the protein structure/function.

NM_004369.4(COL6A3):c.9344C>T (p.Pro3115Leu)

Gene: COL6A3 (collagen type VI alpha 3 chain; minus strand). Cytogenetic location: 2q37.3.
Variant type: single nucleotide variant.
Coding change: c.9344C>T on transcript NM_004369.4 (MANE Select); coding-DNA position 9344, C replaced by T.
Protein change: p.Pro3115Leu; replaces proline 3115 with leucine.
Molecular consequence: missense variant.
Genome position (GRCh38, 1-based): chr2:237,325,709, G>A on the plus strand (C>T on the coding strand, the complement: COL6A3 is on the minus strand). VCF-style: chr2-237325709-G-A. GRCh37 (hg19) VCF-style: chr2-238234352-G-A.
Other names: c.7523C>T, p.Pro2508Leu (NM_057166.5); c.8726C>T, p.Pro2909Leu (NM_057167.4); short protein forms P3115L, P2508L, P2909L.
Identifiers: ClinVar variation 453005 (VCV000453005.13), dbSNP rs138109666, ClinGen allele CA2187287.